The following is an entry in ClinVar:

NM_003107.3(SOX4):c.251T>G (p.Met84Arg)

Gene: SOX4 (SRY-box transcription factor 4; plus strand). Cytogenetic location: 6p22.3.
Variant type: single nucleotide variant.
Coding change: c.251T>G on transcript NM_003107.3 (MANE Select); coding-DNA position 251, T replaced by G.
Protein change: p.Met84Arg; replaces methionine 84 with arginine.
Molecular consequence: missense variant.
Genome position (GRCh38, 1-based): chr6:21,594,785, T>G. VCF-style: chr6-21594785-T-G. GRCh37 (hg19) VCF-style: chr6-21595016-T-G.
Other names: short protein forms M84R.
Identifiers: ClinVar variation 4279018 (VCV004279018.1).

ClinVar aggregate classification (germline): Likely pathogenic (1 of 4 stars; one submission).

Conditions:
Coffin-Siris syndrome 10. Also called: INTELLECTUAL DEVELOPMENTAL DISORDER WITH SPEECH DELAY AND DYSMORPHIC FACIES. Identifiers: MedGen C4760583, MONDO:0032791, OMIM 618506.

Submission:

Institute of Human Genetics, University of Leipzig Medical Center
Classification: Likely pathogenic for Coffin-Siris syndrome 10. Last evaluated: 2025-08-20. Review status: criteria provided, single submitter. Criteria: ACMG Guidelines, 2015. Collection method: clinical testing. Allele origin: unknown. Inheritance: Autosomal dominant inheritance. Affected: yes.
Comment: Criteria applied: PM1,PM2,PM5_SUP,PP3